The following is an entry in ClinVar:

NM_001957.4(EDNRA):c.227C>T (p.Thr76Ile)

Gene: EDNRA (endothelin receptor type A; plus strand). Cytogenetic location: 4q31.22.
Variant type: single nucleotide variant.
Coding change: c.227C>T on transcript NM_001957.4 (MANE Select); coding-DNA position 227, C replaced by T.
Protein change: p.Thr76Ile; replaces threonine 76 with isoleucine.
Molecular consequence: missense variant. On other transcripts: non-coding transcript variant (1).
Genome position (GRCh38, 1-based): chr4:147,485,908, C>T. VCF-style: chr4-147485908-C-T. GRCh37 (hg19) VCF-style: chr4-148407060-C-T.
Other names: c.227C>T, p.Thr76Ile (NM_001166055.2, NM_001354797.2); short protein forms T76I.
Identifiers: ClinVar variation 3709371 (VCV003709371.2).

ClinVar aggregate classification (germline): Uncertain significance (1 of 4 stars; one submission).

gnomAD v4.1: 37 of 1,614,120 alleles (0.0023%); highest among the groups gnomAD compares: East Asian, 0.06%; no homozygotes.

Submission:

Labcorp Genetics (formerly Invitae), Labcorp
Classification: Uncertain significance. Last evaluated: 2024-03-01. Review status: criteria provided, single submitter. Criteria: Invitae Variant Classification Sherloc (09022015). Collection method: clinical testing. Allele origin: germline.
Comment: This sequence change replaces threonine, which is neutral and polar, with isoleucine, which is neutral and non-polar, at codon 76 of the EDNRA protein (p.Thr76Ile). This variant is not present in population databases (gnomAD no frequency). This variant has not been reported in the literature in individuals affected with EDNRA-related conditions. Advanced modeling of protein sequence and biophysical properties (such as structural, functional, and spatial information, amino acid conservation, physicochemical variation, residue mobility, and thermodynamic stability) performed at Invitae indicates that this missense variant is not expected to disrupt EDNRA protein function with a negative predictive value of 80%. In summary, the available evidence is currently insufficient to determine the role of this variant in disease. Therefore, it has been classified as a Variant of Uncertain Significance.